The following is an entry in ClinVar:

ClinVar aggregate classification (germline): Conflicting classifications of pathogenicity. Review status: criteria provided, conflicting classifications (1 of 4 stars). 7 submissions from 7 submitters: Uncertain significance (4); Likely benign (1). 2 of the submissions do not count toward it. Last evaluated 2025-08-20.

Conditions:
MYH6-related disorder. Also called: MYH6-Related Disorders; MYH6-related condition.
Cardiovascular phenotype. Identifiers: MedGen CN230736.
Primary dilated cardiomyopathy (DCM). Also called: Dilated Cardiomyopathy. Identifiers: Orphanet 217604, MedGen C0007193, MeSH D002311, MONDO:0005021, HP:0001644. Inheritance: Various modes of inheritance.
Hypertrophic cardiomyopathy 14. Identifiers: MedGen C2750467, MONDO:0013197, OMIM 613251.

Allele frequency attached by ClinVar (database versions not stated): TOPMed 0.00002; gnomAD 0.00003.
gnomAD v4.1: 30 of 1,601,362 alleles (0.0019%); highest among the groups gnomAD compares: East Asian, 0.0045%; no homozygotes.

Submissions (7):

Ambry Genetics
Classification: Uncertain significance for Cardiovascular phenotype. Last evaluated: 2025-08-20. Review status: criteria provided, single submitter. Criteria: Ambry Variant Classification Scheme 2023. Collection method: clinical testing. Allele origin: germline.
Comment: The p.R1195C variant (also known as c.3583C>T), located in coding exon 24 of the MYH6 gene, results from a C to T substitution at nucleotide position 3583. The arginine at codon 1195 is replaced by cysteine, an amino acid with highly dissimilar properties. This amino acid position is highly conserved in available vertebrate species. In addition, this alteration is predicted to be deleterious by in silico analysis. Based on the available evidence, the clinical significance of this variant remains unclear.

PreventionGenetics, part of Exact Sciences
Classification: Uncertain significance for MYH6-related condition. Last evaluated: 2025-03-06. Review status: criteria provided, single submitter. Criteria: ACMG Guidelines, 2015. Collection method: clinical testing. Allele origin: germline.
Comment: The MYH6 c.3583C>T variant is predicted to result in the amino acid substitution p.Arg1195Cys. To our knowledge, this variant has not been reported in the literature. This variant is reported in 0.031% of alleles in individuals of East Asian descent in gnomAD. At this time, the clinical significance of this variant is uncertain due to the absence of conclusive functional and genetic evidence.

Labcorp Genetics (formerly Invitae), Labcorp
Classification: Uncertain significance for Hypertrophic cardiomyopathy 14. Last evaluated: 2023-10-12. Review status: criteria provided, single submitter. Criteria: Invitae Variant Classification Sherloc (09022015). Collection method: clinical testing. Allele origin: germline.
Comment: This sequence change replaces arginine, which is basic and polar, with cysteine, which is neutral and slightly polar, at codon 1195 of the MYH6 protein (p.Arg1195Cys). This variant is present in population databases (rs769756450, gnomAD 0.02%). This variant has not been reported in the literature in individuals affected with MYH6-related conditions. ClinVar contains an entry for this variant (Variation ID: 312861). Advanced modeling of protein sequence and biophysical properties (such as structural, functional, and spatial information, amino acid conservation, physicochemical variation, residue mobility, and thermodynamic stability) performed at Invitae indicates that this missense variant is expected to disrupt MYH6 protein function. In summary, the available evidence is currently insufficient to determine the role of this variant in disease. Therefore, it has been classified as a Variant of Uncertain Significance.

Blueprint Genetics
Classification: Likely benign. Last evaluated: 2023-06-15. Review status: criteria provided, single submitter. Criteria: ACMG Guidelines, 2015. Collection method: clinical testing. Allele origin: germline.

Genetics and Genomics Program, Sidra Medicine
Classification: Uncertain significance for Primary dilated cardiomyopathy. Review status: criteria provided, single submitter. Criteria: ACMG Guidelines, 2015. Collection method: research. Allele origin: unknown. Affected: yes. Observed: 1 variant allele.

Genome Diagnostics Laboratory, University Medical Center Utrecht
Classification: Uncertain significance. Review status: no assertion criteria provided. Collection method: clinical testing. Allele origin: germline. Affected: yes. Study: VKGL Data-share Consensus. Not counted in ClinVar's aggregate classification.

Joint Genome Diagnostic Labs from Nijmegen and Maastricht, Radboudumc and MUMC+
Classification: Uncertain significance. Review status: no assertion criteria provided. Collection method: clinical testing. Allele origin: germline. Affected: yes. Study: VKGL Data-share Consensus. Not counted in ClinVar's aggregate classification.

NM_002471.4(MYH6):c.3583C>T (p.Arg1195Cys)

Gene: MYH6 (myosin heavy chain 6; minus strand). Cytogenetic location: 14q11.2.
Variant type: single nucleotide variant.
Coding change: c.3583C>T on transcript NM_002471.4 (MANE Select); coding-DNA position 3583, C replaced by T.
Protein change: p.Arg1195Cys; replaces arginine 1195 with cysteine.
Molecular consequence: missense variant.
Genome position (GRCh38, 1-based): chr14:23,390,206, G>A on the plus strand (C>T on the coding strand, the complement: MYH6 is on the minus strand). VCF-style: chr14-23390206-G-A. GRCh37 (hg19) VCF-style: chr14-23859415-G-A.
Other names: short protein forms R1195C.
Identifiers: ClinVar variation 312861 (VCV000312861.14), dbSNP rs769756450, ClinGen allele CA7115135.